The following is an entry in ClinVar:

NM_000400.4(ERCC2):c.303G>C (p.Lys101Asn)

Gene: ERCC2 (ERCC excision repair 2, TFIIH core complex helicase subunit; minus strand). Cytogenetic location: 19q13.32.
Variant type: single nucleotide variant.
Coding change: c.303G>C on transcript NM_000400.4 (MANE Select); coding-DNA position 303, G replaced by C.
Protein change: p.Lys101Asn; replaces lysine 101 with asparagine.
Molecular consequence: missense variant.
Genome position (GRCh38, 1-based): chr19:45,368,687, C>G on the plus strand (G>C on the coding strand, the complement: ERCC2 is on the minus strand). VCF-style: chr19-45368687-C-G. GRCh37 (hg19) VCF-style: chr19-45871945-C-G.
Other names: c.231G>C, p.Lys77Asn (NM_001130867.2); short protein forms K77N, K101N.
Identifiers: ClinVar variation 2185666 (VCV002185666.3), dbSNP rs1182986304, ClinGen allele CA406378446.

ClinVar aggregate classification (germline): Uncertain significance. Review status: criteria provided, multiple submitters, no conflicts (2 of 4 stars). 2 submissions from 2 submitters: Uncertain significance (2). Last evaluated 2022-11-04.

Conditions:
Inborn genetic diseases. Identifiers: MedGen C0950123, MeSH D030342.

Submissions (2):

Ambry Genetics
Classification: Uncertain significance for Inborn genetic diseases. Last evaluated: 2022-11-04. Review status: criteria provided, single submitter. Criteria: Ambry Variant Classification Scheme 2023. Collection method: clinical testing. Allele origin: germline.
Comment: The p.K101N variant (also known as c.303G>C), located in coding exon 5 of the ERCC2 gene, results from a G to C substitution at nucleotide position 303. The lysine at codon 101 is replaced by asparagine, an amino acid with similar properties. This amino acid position is conserved. In addition, this alteration is predicted to be tolerated by in silico analysis. Since supporting evidence is limited at this time, the clinical significance of this alteration remains unclear.

Labcorp Genetics (formerly Invitae), Labcorp
Classification: Uncertain significance. Last evaluated: 2022-01-02. Review status: criteria provided, single submitter. Criteria: Invitae Variant Classification Sherloc (09022015). Collection method: clinical testing. Allele origin: germline.
Comment: This sequence change replaces lysine, which is basic and polar, with asparagine, which is neutral and polar, at codon 101 of the ERCC2 protein (p.Lys101Asn). The frequency data for this variant in the population databases is considered unreliable, as metrics indicate poor data quality at this position in the gnomAD database. This variant has not been reported in the literature in individuals affected with ERCC2-related conditions. Algorithms developed to predict the effect of missense changes on protein structure and function (SIFT, PolyPhen-2, Align-GVGD) all suggest that this variant is likely to be tolerated. In summary, the available evidence is currently insufficient to determine the role of this variant in disease. Therefore, it has been classified as a Variant of Uncertain Significance.